The following is an entry in ClinVar:

ClinVar aggregate classification (germline): not provided (0 of 4 stars; one submission).

Conditions:
Familial cold autoinflammatory syndrome 1 (FCAS1). Also called: CRYOPYRIN-ASSOCIATED PERIODIC SYNDROME 1; Familial cold inflammatory syndrome 1. Identifiers: Orphanet 47045, MedGen C4551895, MONDO:0007349, OMIM 120100.

Allele frequency attached by ClinVar (database versions not stated): gnomAD exomes below 0.00001; TOPMed below 0.00001; gnomAD 0.00001.
gnomAD v4.1: 8 of 1,613,952 alleles (0.0005%); highest among the groups gnomAD compares: African/African-American, 0.0013%; no homozygotes.

Submission:

Unité médicale des maladies autoinflammatoires, CHRU Montpellier
No classification provided. Condition: Familial cold urticaria. Review status: no classification provided. Collection method: not provided. Allele origin: unknown.
Comment: also involved in OMIM 191900 and 607115

NM_001243133.2(NLRP3):c.1660C>T (p.Arg554Ter)

Gene: NLRP3 (NLR family pyrin domain containing 3; plus strand). Cytogenetic location: 1q44.
Variant type: single nucleotide variant.
Coding change: c.1660C>T on transcript NM_001243133.2 (MANE Select); coding-DNA position 1660, C replaced by T.
Protein change: p.Arg554Ter; replaces arginine 554 with a stop codon.
Molecular consequence: nonsense.
Genome position (GRCh38, 1-based): chr1:247,425,109, C>T. VCF-style: chr1-247425109-C-T. GRCh37 (hg19) VCF-style: chr1-247588411-C-T.
Other names: c.1660C>T, p.Arg554Ter (NM_001079821.3, NM_001127461.3, NM_001127462.3 and 1 more transcripts); c.1666C>T, p.Arg556Ter (NM_004895.5); short protein forms R556*, R554*.
Identifiers: ClinVar variation 97941 (VCV000097941.1), dbSNP rs180177460, ClinGen allele CA281242.
Genomic context (GRCh38, chr1:247,425,109, plus strand): 5'-CTGGAAGAGGAAAAGGAAGGAAGGACGAACGTTCCAGGGAGTCGTTTGAAGCTTCCCAGC[C>T]GAGACGTGACAGTCCTTCTGGAAAACTATGGCAAATTCGAAAAGGGGTATTTGATTTTTG-3'